The following is an entry in ClinVar:

ClinVar aggregate classification (germline): Uncertain significance. Review status: reviewed by expert panel (3 of 4 stars). 6 submissions from 6 submitters: Uncertain significance (1). 5 of the submissions do not count toward it. Last evaluated 2025-11-11.

Conditions:
Cardiovascular phenotype. Identifiers: MedGen CN230736.
Cardiomyopathy (CMYO). Also called: Cardiomyopathies. Identifiers: Orphanet 167848, MedGen C0878544, MONDO:0004994, HP:0001638. Inheritance: Various modes of inheritance.
Primary dilated cardiomyopathy (DCM). Also called: Dilated Cardiomyopathy. Identifiers: Orphanet 217604, MedGen C0007193, MeSH D002311, MONDO:0005021, HP:0001644. Inheritance: Various modes of inheritance.
Hypertrophic cardiomyopathy. Also called: HYPERTROPHIC MYOCARDIOPATHY. Identifiers: Orphanet 217569, MedGen C0007194, MeSH D002312, MONDO:0005045, HP:0001639.

Allele frequency attached by ClinVar (database versions not stated): gnomAD 0.00001; TOPMed below 0.00001.

Submissions (6):

ClinGen Cardiomyopathy Variant Curation Expert Panel
Classification: Uncertain significance for Hypertrophic cardiomyopathy. Last evaluated: 2025-11-11. Review status: reviewed by expert panel. Criteria: ClinGen CMP ACMG Specifications v1. Collection method: curation. Allele origin: germline. Inheritance: Autosomal dominant inheritance.
Comment: The NM_000257.3(MYH7):c.1477_1478delAT (p.Met493Valfs) variant has been identified in 1 individual with features of both HCM and DCM (Zimmerman 2010 PMID:20474083; Walsh 2017 PMID: 27532257, LMM pers. comm.) however, this is insufficient to apply the PS4 criterion. This variant was absent from large population studies (PM2;, v.2.1.1). This variant is predicted to cause a frameshift leading to a truncated or absent protein. The contribution of loss of function (LOF) variants in MYH7 to autosomal dominant inherited cardiomyopathy is incompletely understood therefore PVS1 was not applied. In summary, due to insufficient evidence, this variant meets criteria to be classified as uncertain significance for cardiomyopathy in an autosomal dominant manner. MYH7-specific ACMG/AMP criteria applied (Kelly 2018 PMID:29300372): PM2.

Ambry Genetics
Classification: Uncertain significance for Cardiovascular phenotype. Last evaluated: 2026-05-12. Review status: criteria provided, single submitter. Criteria: Ambry Variant Classification Scheme 2023. Collection method: clinical testing. Allele origin: germline. Not counted in ClinVar's aggregate classification.
Comment: The c.1477_1478delAT variant, located in coding exon 13 of the MYH7 gene, results from a deletion of two nucleotides at nucleotide positions 1477 to 1478, causing a translational frameshift with a predicted alternate stop codon (p.M493Vfs*19). This variant was reported in individual(s) with features consistent with MYH7-related cardiomyopathy (Zimmerman RS et al. Genet Med, 2010 May;12:268-78; Alfares AA et al. Genet Med, 2015 Nov;17:880-8; Ambry internal data). This variant is expected to result in protein truncation or nonsense-mediated mRNA decay. However, loss of function has not been established as a mechanism of disease. Based on the available evidence, the clinical significance of this variant remains unclear.

Revvity Omics, Revvity
Classification: Uncertain significance. Last evaluated: 2025-01-08. Review status: criteria provided, single submitter. Criteria: ACMG Guidelines, 2015. Collection method: clinical testing. Allele origin: germline. Not counted in ClinVar's aggregate classification.

Labcorp Genetics (formerly Invitae), Labcorp
Classification: Uncertain significance for Hypertrophic cardiomyopathy. Last evaluated: 2024-08-07. Review status: criteria provided, single submitter. Criteria: Invitae Variant Classification Sherloc (09022015). Collection method: clinical testing. Allele origin: germline. Not counted in ClinVar's aggregate classification.
Comment: This sequence change creates a premature translational stop signal (p.Met493Valfs*19) in the MYH7 gene. It is expected to result in an absent or disrupted protein product. However, the current clinical and genetic evidence is not sufficient to establish whether loss-of-function variants in MYH7 cause disease. This variant is not present in population databases (gnomAD no frequency). This premature translational stop signal has been observed in individual(s) with clinical features of MYH7-related conditions (PMID: 20474083, 27532257). ClinVar contains an entry for this variant (Variation ID: 177817). In summary, the available evidence is currently insufficient to determine the role of this variant in disease. Therefore, it has been classified as a Variant of Uncertain Significance.

CHEO Genetics Diagnostic Laboratory, Children's Hospital of Eastern Ontario
Classification: Uncertain significance for Cardiomyopathy. Last evaluated: 2023-05-12. Review status: criteria provided, single submitter. Criteria: ACMG Guidelines, 2015. Collection method: clinical testing. Allele origin: germline. Not counted in ClinVar's aggregate classification.

Laboratory for Molecular Medicine, Mass General Brigham Personalized Medicine
Classification: Likely pathogenic for Primary dilated cardiomyopathy. Last evaluated: 2016-04-26. Review status: criteria provided, single submitter. Criteria: LMM Criteria. Collection method: clinical testing. Allele origin: germline. Inheritance: Autosomal recessive inheritance. Observed: 1 variant allele. Not counted in ClinVar's aggregate classification.
Comment: proposed classification - variant undergoing re-assessment, contact laboratory

Literature cited by the submitters: PubMed 29300372 (cited by ClinGen Cardiomyopathy Variant Curation Expert Panel); PubMed 20474083 (cited by Ambry Genetics and Labcorp Genetics (formerly Invitae), Labcorp); PubMed 25611685 (cited by Ambry Genetics); PubMed 27532257 (cited by Labcorp Genetics (formerly Invitae), Labcorp).

NM_000257.4(MYH7):c.1477_1478del (p.Met493fs)

Gene: MYH7 (myosin heavy chain 7; minus strand). Cytogenetic location: 14q11.2.
Variant type: Deletion.
Coding change: c.1477_1478del on transcript NM_000257.4 (MANE Select); coding-DNA positions 1477 to 1478, 2 bases deleted (AT; older notation c.1477_1478delAT).
Protein change: p.Met493fs; shifts the reading frame from methionine 493.
Molecular consequence: frameshift variant.
Genome position (GRCh38, 1-based): chr14:23,428,600-23,428,601, AT deleted on the plus strand (AT on the coding strand, the reverse complement: MYH7 is on the minus strand). VCF-style (leftmost placement, unchanged base first): chr14-23428599-CAT-C. GRCh37 (hg19) VCF-style: chr14-23897808-CAT-C.
Other names: NM_000257.3(MYH7):c.1477_1478delAT; c.1477_1478delAT (NM_000257.2, NM_000257.4); short protein forms M493fs.
Identifiers: ClinVar variation 177817 (VCV000177817.13), dbSNP rs727504336, ClinGen allele CA010796.